The following is an entry in ClinVar:

ClinVar aggregate classification (germline): Uncertain significance (1 of 4 stars; one submission).

Conditions:
AMT-related disorder. Also called: AMT-related condition.

Submission:

PreventionGenetics, part of Exact Sciences
Classification: Uncertain significance for AMT-related condition. Last evaluated: 2025-08-10. Review status: criteria provided, single submitter. Criteria: ACMG Guidelines, 2015. Collection method: clinical testing. Allele origin: germline.
Comment: The AMT c.965G>A variant is predicted to result in the amino acid substitution p.Gly322Glu. To our knowledge, this variant has not been reported in the literature or in a large population database (gnomAD), indicating this variant is rare. Although we suspect that this variant may be pathogenic, at this time, the clinical significance of this variant is uncertain due to the absence of conclusive functional and genetic evidence.

NM_000481.4(AMT):c.965G>A (p.Gly322Glu)

Gene: AMT (aminomethyltransferase; minus strand). Cytogenetic location: 3p21.31.
Variant type: single nucleotide variant.
Coding change: c.965G>A on transcript NM_000481.4 (MANE Select); coding-DNA position 965, G replaced by A.
Protein change: p.Gly322Glu; replaces glycine 322 with glutamic acid.
Molecular consequence: missense variant. On other transcripts: non-coding transcript variant (1).
Genome position (GRCh38, 1-based): chr3:49,417,886, C>T on the plus strand (G>A on the coding strand, the complement: AMT is on the minus strand). VCF-style: chr3-49417886-C-T. GRCh37 (hg19) VCF-style: chr3-49455319-C-T.
Other names: c.833G>A, p.Gly278Glu (NM_001164710.2); c.797G>A, p.Gly266Glu (NM_001164711.2); c.965G>A, p.Gly322Glu (NM_001164712.2); short protein forms G266E, G322E, G278E.
Identifiers: ClinVar variation 4991070 (VCV004991070.1).